The following is an entry in ClinVar:

ClinVar aggregate classification (germline): Benign/Likely benign. Review status: criteria provided, multiple submitters, no conflicts (2 of 4 stars). 5 submissions from 5 submitters: Benign (1); Likely benign (4). Last evaluated 2025-10-20.

Conditions:
Hereditary cancer-predisposing syndrome. Also called: Neoplastic Syndromes, Hereditary; Hereditary neoplastic syndrome; Tumor predisposition; Hereditary Cancer Syndrome. Identifiers: Orphanet 140162, MedGen C0027672, MeSH D009386, MONDO:0015356.
Ataxia-telangiectasia syndrome (AT). Also called: AT, COMPLEMENTATION GROUP C; ATAXIA-TELANGIECTASIA, COMPLEMENTATION GROUP A; ATAXIA-TELANGIECTASIA, FRESNO VARIANT; LOUIS-BAR SYNDROME; Ataxia-telangiectasia; Cerebello-oculocutaneous telangiectasia. Identifiers: Orphanet 100, MedGen C0004135, MONDO:0008840, OMIM 208900.
Familial cancer of breast. Also called: BREAST CANCER, FAMILIAL; hereditary breast carcinoma; Hereditary breast cancer. Identifiers: Orphanet 227535, MedGen C0346153, MONDO:0016419, OMIM 114480. Disease mechanism: loss of function.

Allele frequency attached by ClinVar (database versions not stated): gnomAD exomes below 0.00001; gnomAD 0.00001; TOPMed 0.00001.
gnomAD v4.1: 3 of 1,613,662 alleles (0.00019%); highest among the groups gnomAD compares: Non-Finnish European, 0.00025%; no homozygotes.

Submissions (5):

Labcorp Genetics (formerly Invitae), Labcorp
Classification: Likely benign for Ataxia-telangiectasia syndrome. Last evaluated: 2025-10-20. Review status: criteria provided, single submitter. Criteria: Invitae Variant Classification Sherloc (09022015). Collection method: clinical testing. Allele origin: germline.

Myriad Genetics, Inc.
Classification: Benign for Familial cancer of breast. Last evaluated: 2024-05-20. Review status: criteria provided, single submitter. Criteria: Myriad Autosomal Dominant, Autosomal Recessive and X-Linked Classification Criteria (2023). Collection method: clinical testing. Allele origin: unknown.
Comment: This variant is considered benign. This variant is a silent/synonymous amino acid change and it is not expected to impact splicing.

Color Diagnostics, LLC DBA Color Health
Classification: Likely benign for Hereditary cancer-predisposing syndrome. Last evaluated: 2020-11-23. Review status: criteria provided, single submitter. Criteria: ACMG Guidelines, 2015. Collection method: clinical testing. Allele origin: germline.

Ambry Genetics
Classification: Likely benign for Hereditary cancer-predisposing syndrome. Last evaluated: 2018-07-25. Review status: criteria provided, single submitter. Criteria: Ambry Variant Classification Scheme 2023. Collection method: clinical testing. Allele origin: germline.

GeneDx
Classification: Likely benign. Last evaluated: 2018-02-11. Review status: criteria provided, single submitter. Criteria: GeneDx Variant Classification (06012015). Collection method: clinical testing. Allele origin: germline. Affected: yes.
Comment: This variant is considered likely benign or benign based on one or more of the following criteria: it is a conservative change, it occurs at a poorly conserved position in the protein, it is predicted to be benign by multiple in silico algorithms, and/or has population frequency not consistent with disease.

NM_000051.4(ATM):c.4518G>A (p.Val1506=)

Gene: ATM (ATM serine/threonine kinase; plus strand). Cytogenetic location: 11q22.3.
Variant type: single nucleotide variant.
Coding change: c.4518G>A on transcript NM_000051.4 (MANE Select); coding-DNA position 4518, G replaced by A.
Protein change: p.Val1506=; no amino-acid change (valine 1506 retained).
Molecular consequence: synonymous variant.
Genome position (GRCh38, 1-based): chr11:108,292,700, G>A. VCF-style: chr11-108292700-G-A. GRCh37 (hg19) VCF-style: chr11-108163427-G-A.
Other names: c.4518G>A, p.Val1506= (NM_001351834.2).
Identifiers: ClinVar variation 391502 (VCV000391502.19), dbSNP rs1057524110, ClinGen allele CA16606188.
Genomic context (GRCh38, chr11:108,292,700, plus strand): 5'-GTCATTACGTAGCTTCTCCCTTTGTTGTGACTTATTAAGTCAGGTTTGCCAGACAGCCGT[G>A]ACTTACTGTAAGGATGCTCTAGAAAACCATCTTCATGTTATTGTTGGTACACTTATACCC-3'
Protein context (NP_000042.3, residues 1496-1516): DLLSQVCQTA[Val1506=]TYCKDALENH